The following is an entry in ClinVar:

ClinVar aggregate classification (germline): Pathogenic (1 of 4 stars; one submission).

Submission:

Quest Diagnostics Nichols Institute San Juan Capistrano
Classification: Pathogenic. Last evaluated: 2021-07-07. Review status: criteria provided, single submitter. Criteria: ACMG/ClinGen CNV Guidelines, 2019. Collection method: clinical testing. Allele origin: unknown.
Comment: The 6q23.2 deletion is expected to cause phenotypic and/or developmental abnormalities based on size and gene content. The deletion involves multiple protein coding genes including the entire EYA4 (OMIM 603550). Haploinsufficiency of EYA4, via truncating variants and deletions, is associated with autosomal dominant deafness-10 with or without dilated cardiomyopathy 1J (OMIM 605362; OMIM 601316; BMC Med Genet. 2019 May 17;20(1):84. PMID: 31101089; Hum Genome Var. 2018 Aug 22;5:23. PMID: 30155266). Further, larger overlapping deletions of this region, which disrupt the EYA4 gene have been identified in patients with structural brain abnormalities, intellectual disability, gross motor delays, short stature, growth delays, as well as hearing loss and dilated cardiomyopathy (Dutrannoyet al. Eur J Med Genet. 2009 Nov-Dec;52(6):450-3. PMID: 19576303; Abeet al. Hum Mutat. 2009 Oct;30(10):E946-55. PMID: 19606496). A recent case study has reported two overlapping deletions involving EYA4 (1.9Mb and 3.7 Mb) in a mother and her daughter, both with typical clinical features of otofaciocervical syndrome (OTFCS), a disorder characterized by a combination of facial dysmorphisms, ear abnormalities with hearing loss, and shoulder girdle anomalies (Ganaet al., Am J Med Genet A. 2018 May; 176(5):1200-1206. PMID: 31379922).

GRCh37/hg19 6q23.2(chr6:133522860-134541311)x1

Genes: EYA4 (EYA transcriptional coactivator and phosphatase 4; plus strand), SGK1 (serum/glucocorticoid regulated kinase 1; minus strand), SLC2A12 (solute carrier family 2 member 12; minus strand), TBPL1 (TATA-box binding protein like 1; plus strand), TCF21 (transcription factor 21; plus strand). Cytogenetic location: 6q23.2.
Variant type: copy number loss.
Change: copy number 1 (one copy instead of two) of chr6:133,522,860-134,541,311 (1.02 Mb, GRCh37 coordinates, 1-based), cytogenetic band 6q23.2.
Identifiers: ClinVar variation 1808956 (VCV001808956.1).